The following is an entry in ClinVar:

NM_001283009.2(RTEL1):c.3805T>G (p.Trp1269Gly)

Genes: RTEL1 (regulator of telomere elongation helicase 1; plus strand), RTEL1-TNFRSF6B (RTEL1-TNFRSF6B readthrough (NMD candidate); plus strand). Cytogenetic location: 20q13.33.
Variant type: single nucleotide variant.
Coding change: c.3805T>G on transcript NM_001283009.2 (MANE Select); coding-DNA position 3805, T replaced by G.
Protein change: p.Trp1269Gly; replaces tryptophan 1269 with glycine.
Molecular consequence: missense variant. On other transcripts: non-coding transcript variant (1), intron variant (3).
Genome position (GRCh38, 1-based): chr20:63,695,633, T>G. VCF-style: chr20-63695633-T-G. GRCh37 (hg19) VCF-style: chr20-62326986-T-G.
Other names: c.2984-145T>G (NM_001283010.1); c.3725-145T>G (NM_032957.5); c.3653-145T>G (NM_016434.4); short protein forms W1269G.
Identifiers: ClinVar variation 4157675 (VCV004157675.1).
Genomic context (GRCh38, chr20:63,695,633, plus strand): 5'-GCAGAGGACGTGGTGCCCTTCCAGTGCCCTGCCTGTGACTTCCAGCGCTGCCAAGCCTGC[T>G]GGCAACGGCACCTTCAGGTTGGTGCCTGGCCACTACAGTTCCTGCTGGGTGTAGCCCCAG-3'
Protein context (NP_001269938.1, residues 1259-1279): ACDFQRCQAC[Trp1269Gly]QRHLQASRMC

ClinVar aggregate classification (germline): Uncertain significance (1 of 4 stars; one submission).

Conditions:
Inborn genetic diseases. Identifiers: MedGen C0950123, MeSH D030342.

Submission:

Ambry Genetics
Classification: Uncertain significance for Inborn genetic diseases. Last evaluated: 2025-08-20. Review status: criteria provided, single submitter. Criteria: Ambry Variant Classification Scheme 2023. Collection method: clinical testing. Allele origin: germline.
Comment: The p.W1269G variant (also known as c.3805T>G), located in coding exon 33 of the RTEL1 gene, results from a T to G substitution at nucleotide position 3805. The tryptophan at codon 1269 is replaced by glycine, an amino acid with highly dissimilar properties. This amino acid position is conserved. In addition, the in silico prediction for this alteration is inconclusive. Based on the available evidence, the clinical significance of this variant remains unclear.